The following is an entry in ClinVar:

NM_020806.5(GPHN):c.983G>A (p.Ser328Asn)

Gene: GPHN (gephyrin; plus strand). Cytogenetic location: 14q23.3.
Variant type: single nucleotide variant.
Coding change: c.983G>A on transcript NM_020806.5 (MANE Select); coding-DNA position 983, G replaced by A.
Protein change: p.Ser328Asn; replaces serine 328 with asparagine.
Molecular consequence: missense variant.
Genome position (GRCh38, 1-based): chr14:67,023,652, G>A. VCF-style: chr14-67023652-G-A. GRCh37 (hg19) VCF-style: chr14-67490369-G-A.
Other names: c.884G>A, p.Ser295Asn (NM_001024218.2); c.1043G>A, p.Ser348Asn (NM_001377514.1); c.1013G>A, p.Ser338Asn (NM_001377515.1); c.1004G>A, p.Ser335Asn (NM_001377516.1); c.956G>A, p.Ser319Asn (NM_001377517.1); c.941G>A, p.Ser314Asn (NM_001377518.1); c.923G>A, p.Ser308Asn (NM_001377519.1); short protein forms S328N, S335N, S338N, S295N, S314N, S319N, S308N, S348N.
Identifiers: ClinVar variation 2114987 (VCV002114987.4), dbSNP rs1423453724, ClinGen allele CA390257080.

ClinVar aggregate classification (germline): Uncertain significance (1 of 4 stars; one submission).

Conditions:
Sulfite oxidase deficiency due to molybdenum cofactor deficiency type C. Also called: Molybdenum cofactor deficiency, complementation group C; Molybdenum cofactor deficiency C. Identifiers: Orphanet 308400, Orphanet 833, MedGen C1854990, MONDO:0014212, OMIM 615501.

Allele frequency attached by ClinVar (database versions not stated): gnomAD 0.00001; TOPMed 0.00001.
gnomAD v4.1: 1 of 1,613,320 alleles (0.000062%); highest among the groups gnomAD compares: African/African-American, 0.0013%; no homozygotes.

Submission:

Labcorp Genetics (formerly Invitae), Labcorp
Classification: Uncertain significance for Sulfite oxidase deficiency due to molybdenum cofactor deficiency type C. Last evaluated: 2022-04-01. Review status: criteria provided, single submitter. Criteria: Invitae Variant Classification Sherloc (09022015). Collection method: clinical testing. Allele origin: germline.
Comment: This variant is present in population databases (no rsID available, gnomAD 0.01%). In summary, the available evidence is currently insufficient to determine the role of this variant in disease. Therefore, it has been classified as a Variant of Uncertain Significance. Algorithms developed to predict the effect of missense changes on protein structure and function are either unavailable or do not agree on the potential impact of this missense change (SIFT: "Deleterious"; PolyPhen-2: "Probably Damaging"; Align-GVGD: "Class C0"). This variant has not been reported in the literature in individuals affected with GPHN-related conditions. This sequence change replaces serine, which is neutral and polar, with asparagine, which is neutral and polar, at codon 328 of the GPHN protein (p.Ser328Asn).